The following is an entry in ClinVar:

NM_006017.3(PROM1):c.1744del (p.Ser582fs)

Gene: PROM1 (prominin 1; minus strand). Cytogenetic location: 4p15.32.
Variant type: Deletion.
Coding change: c.1744del on transcript NM_006017.3 (MANE Select); coding-DNA position 1744, one base deleted (A; older notation c.1744delA).
Protein change: p.Ser582fs; shifts the reading frame from serine 582.
Molecular consequence: frameshift variant.
Genome position (GRCh38, 1-based): chr4:15,994,010, T deleted on the plus strand (A on the coding strand, the reverse complement: PROM1 is on the minus strand). VCF-style (leftmost placement, unchanged base first): chr4-15994009-CT-C. GRCh37 (hg19) VCF-style: chr4-15995632-CT-C.
Other names: c.1717del, p.Ser573fs (NM_001145852.2, NM_001371406.1, NM_001145847.2 and 4 more transcripts); c.1744del, p.Ser582fs (NM_001145849.2, NM_001145850.2); short protein forms S573fs, S582fs.
Identifiers: ClinVar variation 2819310 (VCV002819310.3), dbSNP rs2529780250, ClinGen allele CA2739265882.

ClinVar aggregate classification (germline): Pathogenic (1 of 4 stars; one submission).

Submission:

Labcorp Genetics (formerly Invitae), Labcorp
Classification: Pathogenic. Last evaluated: 2023-09-23. Review status: criteria provided, single submitter. Criteria: Invitae Variant Classification Sherloc (09022015). Collection method: clinical testing. Allele origin: germline.
Comment: This sequence change creates a premature translational stop signal (p.Ser582Valfs*13) in the PROM1 gene. It is expected to result in an absent or disrupted protein product. Loss-of-function variants in PROM1 are known to be pathogenic (PMID: 17605048, 19718270, 24154662, 25474345). This variant is not present in population databases (gnomAD no frequency). This variant has not been reported in the literature in individuals affected with PROM1-related conditions. For these reasons, this variant has been classified as Pathogenic.

Literature cited by the submitters: PubMed 17605048; PubMed 19718270; PubMed 24154662; PubMed 25474345.